The following is an entry in ClinVar:

ClinVar aggregate classification (germline): Uncertain significance (1 of 4 stars; one submission).

Conditions:
EGFR-related lung cancer (EGFR). Identifiers: MedGen CN130014.

Submission:

Labcorp Genetics (formerly Invitae), Labcorp
Classification: Uncertain significance for EGFR-related lung cancer. Last evaluated: 2025-09-12. Review status: criteria provided, single submitter. Criteria: Invitae Variant Classification Sherloc (09022015). Collection method: clinical testing. Allele origin: germline.
Comment: This sequence change replaces isoleucine, which is neutral and non-polar, with asparagine, which is neutral and polar, at codon 214 of the EGFR protein (p.Ile214Asn). This variant is not present in population databases (gnomAD no frequency). This variant has not been reported in the literature in individuals affected with EGFR-related conditions. ClinVar contains an entry for this variant (Variation ID: 2765123). Invitae Evidence Modeling of protein sequence and biophysical properties (such as structural, functional, and spatial information, amino acid conservation, physicochemical variation, residue mobility, and thermodynamic stability) indicates that this missense variant is not expected to disrupt EGFR protein function with a negative predictive value of 80%. In summary, the available evidence is currently insufficient to determine the role of this variant in disease. Therefore, it has been classified as a Variant of Uncertain Significance.

NM_005228.5(EGFR):c.641T>A (p.Ile214Asn)

Gene: EGFR (epidermal growth factor receptor; plus strand). Cytogenetic location: 7p11.2.
Variant type: single nucleotide variant.
Coding change: c.641T>A on transcript NM_005228.5 (MANE Select); coding-DNA position 641, T replaced by A.
Protein change: p.Ile214Asn; replaces isoleucine 214 with asparagine.
Molecular consequence: missense variant. On other transcripts: intron variant (1).
Genome position (GRCh38, 1-based): chr7:55,152,558, T>A. VCF-style: chr7-55152558-T-A. GRCh37 (hg19) VCF-style: chr7-55220251-T-A.
Other names: c.506T>A, p.Ile169Asn (NM_001346897.2, NM_001346899.2); c.641T>A, p.Ile214Asn (NM_001346898.2, NM_201282.2, NM_201283.2 and 1 more transcripts); c.482T>A, p.Ile161Asn (NM_001346900.2); c.89-3272T>A (NM_001346941.2); short protein forms I214N, I161N, I169N.
Identifiers: ClinVar variation 2765123 (VCV002765123.3), dbSNP rs1785211053, ClinGen allele CA367577340.